The following is an entry in ClinVar:

NM_000051.4(ATM):c.3267del (p.Ala1090fs)

Gene: ATM (ATM serine/threonine kinase; plus strand). Cytogenetic location: 11q22.3.
Variant type: Deletion.
Coding change: c.3267del on transcript NM_000051.4 (MANE Select); coding-DNA position 3267, one base deleted (T; older notation c.3267delT).
Protein change: p.Ala1090fs; shifts the reading frame from alanine 1090.
Molecular consequence: frameshift variant.
Genome position (GRCh38, 1-based): chr11:108,272,835, T deleted. VCF-style (leftmost placement, unchanged base first): chr11-108272834-CT-C. GRCh37 (hg19) VCF-style: chr11-108143561-CT-C.
Other names: c.3267del, p.Ala1090fs (NM_001351834.2); short protein forms A1090fs.
Identifiers: ClinVar variation 3721363 (VCV003721363.2).
Genomic context (GRCh38, chr11:108,272,834, plus strand): 5'-CTGTAAATGAAGTATTTACACAATTTCTTGCTGACAATCATCACCAAGTTCGCATGTTGG[CT>C]GCAGAGTCAATCAATAGGTAATGGGTCAAATATTCATGAAGTATTTGGAATGCTGCAGAT-3'

ClinVar aggregate classification (germline): Pathogenic (1 of 4 stars; one submission).

Conditions:
Ataxia-telangiectasia syndrome (AT). Also called: ATAXIA-TELANGIECTASIA, COMPLEMENTATION GROUP A; ATAXIA-TELANGIECTASIA, FRESNO VARIANT; Ataxia-telangiectasia; Ataxia-telangiectasia, complementation group E; Ataxia telangiectasia (A-T); LOUIS-BAR SYNDROME. Identifiers: Orphanet 100, MedGen C0004135, MONDO:0008840, OMIM 208900.

Submission:

Labcorp Genetics (formerly Invitae), Labcorp
Classification: Pathogenic for Ataxia-telangiectasia syndrome. Last evaluated: 2025-03-19. Review status: criteria provided, single submitter. Criteria: Invitae Variant Classification Sherloc (09022015). Collection method: clinical testing. Allele origin: germline.
Comment: This sequence change creates a premature translational stop signal (p.Ala1090Glnfs*19) in the ATM gene. It is expected to result in an absent or disrupted protein product. Loss-of-function variants in ATM are known to be pathogenic (PMID: 23807571, 25614872). This variant is not present in population databases (gnomAD no frequency). This variant has not been reported in the literature in individuals affected with ATM-related conditions. For these reasons, this variant has been classified as Pathogenic.

Literature cited by the submitters: PubMed 23807571; PubMed 25614872.